The following is an entry in ClinVar:

ClinVar aggregate classification (germline): Uncertain significance. Review status: criteria provided, multiple submitters, no conflicts (2 of 4 stars). 3 submissions from 3 submitters: Uncertain significance (3). Last evaluated 2025-02-17.

Conditions:
Inborn genetic diseases. Identifiers: MedGen C0950123, MeSH D030342.
Developmental and epileptic encephalopathy, 18 (DEE18). Also called: Early infantile epileptic encephalopathy 18. Identifiers: Orphanet 369894, MedGen C3809624, MONDO:0014201, OMIM 615476.

Allele frequency attached by ClinVar (database versions not stated): TOPMed below 0.00001; ExAC 0.00001; gnomAD exomes 0.00007.
gnomAD v4.1: 103 of 1,588,356 alleles (0.0065%); highest among the groups gnomAD compares: Non-Finnish European, 0.0086%; no homozygotes.

Submissions (3):

Labcorp Genetics (formerly Invitae), Labcorp
Classification: Uncertain significance. Last evaluated: 2025-02-17. Review status: criteria provided, single submitter. Criteria: Invitae Variant Classification Sherloc (09022015). Collection method: clinical testing. Allele origin: germline.
Comment: This sequence change replaces serine, which is neutral and polar, with glycine, which is neutral and non-polar, at codon 2348 of the SZT2 protein (p.Ser2348Gly). This variant is present in population databases (rs759572715, gnomAD 0.005%). This variant has not been reported in the literature in individuals affected with SZT2-related conditions. ClinVar contains an entry for this variant (Variation ID: 1756845). An algorithm developed to predict the effect of missense changes on protein structure and function outputs the following: PolyPhen-2: "Benign". The glycine amino acid residue is found in multiple mammalian species, which suggests that this missense change does not adversely affect protein function. In summary, the available evidence is currently insufficient to determine the role of this variant in disease. Therefore, it has been classified as a Variant of Uncertain Significance.

Genome-Nilou Lab
Classification: Uncertain significance for Developmental and epileptic encephalopathy, 18. Last evaluated: 2023-04-11. Review status: criteria provided, single submitter. Criteria: ACMG Guidelines, 2015. Collection method: clinical testing. Allele origin: germline. Affected: no.

Ambry Genetics
Classification: Uncertain significance for Inborn genetic diseases. Last evaluated: 2017-11-29. Review status: criteria provided, single submitter. Criteria: Ambry Variant Classification Scheme 2023. Collection method: clinical testing. Allele origin: germline.
Comment: The p.S2348G variant (also known as c.7042A>G), located in coding exon 51 of the SZT2 gene, results from an A to G substitution at nucleotide position 7042. The serine at codon 2348 is replaced by glycine, an amino acid with similar properties. This amino acid position is not well conserved in available vertebrate species, and glycine is the reference amino acid in other vertebrate species. In addition, this alteration is predicted to be tolerated by in silico analysis. Since supporting evidence is limited at this time, the clinical significance of this alteration remains unclear.

NM_001365999.1(SZT2):c.7213A>G (p.Ser2405Gly)

Gene: SZT2 (SZT2 subunit of KICSTOR complex; plus strand). Cytogenetic location: 1p34.2.
Variant type: single nucleotide variant.
Coding change: c.7213A>G on transcript NM_001365999.1 (MANE Select); coding-DNA position 7213, A replaced by G.
Protein change: p.Ser2405Gly; replaces serine 2405 with glycine.
Molecular consequence: missense variant.
Genome position (GRCh38, 1-based): chr1:43,440,455, A>G. VCF-style: chr1-43440455-A-G. GRCh37 (hg19) VCF-style: chr1-43906126-A-G.
Other names: c.7042A>G, p.Ser2348Gly (NM_015284.4); short protein forms S2405G, S2348G.
Identifiers: ClinVar variation 1756845 (VCV001756845.7), dbSNP rs759572715, ClinGen allele CA810159.